The following is an entry in ClinVar:

NM_022830.3(TUT1):c.2362del (p.Gln788fs)

Gene: TUT1 (terminal uridylyl transferase 1, U6 snRNA-specific; minus strand). Cytogenetic location: 11q12.3.
Variant type: Deletion.
Coding change: c.2362del on transcript NM_022830.3 (MANE Select); coding-DNA position 2362, one base deleted (C; older notation c.2362delC).
Protein change: p.Gln788fs; shifts the reading frame from glutamine 788.
Molecular consequence: frameshift variant. On other transcripts: 3 prime UTR variant (1).
Genome position (GRCh38, 1-based): chr11:62,575,357, G deleted on the plus strand (C on the coding strand, the reverse complement: TUT1 is on the minus strand). VCF-style (leftmost placement, unchanged base first): chr11-62575356-TG-T. GRCh37 (hg19) VCF-style: chr11-62342828-TG-T.
Other names: c.*776del (NM_001367906.1); short protein forms Q788fs.
Identifiers: ClinVar variation 1055877 (VCV001055877.9), dbSNP rs768041389, ClinGen allele CA6047443.

ClinVar aggregate classification (germline): Uncertain significance (1 of 4 stars; one submission).

Allele frequency attached by ClinVar (database versions not stated): TOPMed below 0.00001; ExAC 0.00001; gnomAD exomes 0.00001 and 0.00003.

Submission:

Labcorp Genetics (formerly Invitae), Labcorp
Classification: Uncertain significance. Last evaluated: 2026-01-15. Review status: criteria provided, single submitter. Criteria: Invitae Variant Classification Sherloc (09022015). Collection method: clinical testing. Allele origin: germline.
Comment: This sequence change creates a premature translational stop signal (p.Gln826Lysfs*27) in the TUT1 gene. While this is not anticipated to result in nonsense mediated decay, it is expected to disrupt the last 87 amino acid(s) of the TUT1 protein. This variant is present in population databases (rs768041389, gnomAD 0.002%). This variant has not been reported in the literature in individuals affected with TUT1-related conditions. ClinVar contains an entry for this variant (Variation ID: 1055877). In summary, the available evidence is currently insufficient to determine the role of this variant in disease. Therefore, it has been classified as a Variant of Uncertain Significance.